The following is an entry in ClinVar:

NM_020937.4(FANCM):c.6002C>T (p.Ala2001Val)

Gene: FANCM (FA complementation group M; plus strand). Cytogenetic location: 14q21.2.
Variant type: single nucleotide variant.
Coding change: c.6002C>T on transcript NM_020937.4 (MANE Select); coding-DNA position 6002, C replaced by T.
Protein change: p.Ala2001Val; replaces alanine 2001 with valine.
Molecular consequence: missense variant.
Genome position (GRCh38, 1-based): chr14:45,198,929, C>T. VCF-style: chr14-45198929-C-T. GRCh37 (hg19) VCF-style: chr14-45668132-C-T.
Other names: c.5924C>T, p.Ala1975Val (NM_001308133.2); short protein forms A2001V, A1975V.
Identifiers: ClinVar variation 4022657 (VCV004022657.1).

ClinVar aggregate classification (germline): Uncertain significance (1 of 4 stars; one submission).

Conditions:
Inborn genetic diseases. Identifiers: MedGen C0950123, MeSH D030342.

Submission:

Ambry Genetics
Classification: Uncertain significance for Inborn genetic diseases. Last evaluated: 2025-04-05. Review status: criteria provided, single submitter. Criteria: Ambry Variant Classification Scheme 2023. Collection method: clinical testing. Allele origin: germline.
Comment: The p.A2001V variant (also known as c.6002C>T), located in coding exon 22 of the FANCM gene, results from a C to T substitution at nucleotide position 6002. The alanine at codon 2001 is replaced by valine, an amino acid with similar properties. This amino acid position is conserved. In addition, this alteration is predicted to be tolerated by in silico analysis. Based on the available evidence, the clinical significance of this variant remains unclear.